The following is an entry in ClinVar:

ClinVar aggregate classification (germline): Uncertain significance (1 of 4 stars; one submission).

Conditions:
Joubert syndrome. Also called: CEREBELLOPARENCHYMAL DISORDER IV; JOUBERT-BOLTSHAUSER SYNDROME; Familial aplasia of the vermis. Identifiers: Orphanet 475, MedGen C5979921, MONDO:0018772.
Meckel-Gruber syndrome. Also called: DYSENCEPHALIA SPLANCHNOCYSTICA; GRUBER SYNDROME; Dysencephalia splachnocystica. Identifiers: Orphanet 564, MedGen C0265215, MONDO:0018921.

Allele frequency attached by ClinVar (database versions not stated): gnomAD 0.00001; gnomAD exomes 0.00001; ExAC 0.00002; TOPMed 0.00002.
gnomAD v4.1: 20 of 1,613,912 alleles (0.0012%); highest among the groups gnomAD compares: Non-Finnish European, 0.0017%; no homozygotes.

Submission:

Labcorp Genetics (formerly Invitae), Labcorp
Classification: Uncertain significance for Joubert syndrome; Meckel-Gruber syndrome. Last evaluated: 2022-06-08. Review status: criteria provided, single submitter. Criteria: Invitae Variant Classification Sherloc (09022015). Collection method: clinical testing. Allele origin: germline.
Comment: This sequence change replaces isoleucine, which is neutral and non-polar, with valine, which is neutral and non-polar, at codon 70 of the B9D1 protein (p.Ile70Val). This variant is present in population databases (rs780639433, gnomAD 0.004%). This variant has not been reported in the literature in individuals affected with B9D1-related conditions. Algorithms developed to predict the effect of missense changes on protein structure and function (SIFT, PolyPhen-2, Align-GVGD) all suggest that this variant is likely to be tolerated. In summary, the available evidence is currently insufficient to determine the role of this variant in disease. Therefore, it has been classified as a Variant of Uncertain Significance.

NM_015681.6(B9D1):c.208A>G (p.Ile70Val)

Gene: B9D1 (B9 domain containing 1; minus strand). Cytogenetic location: 17p11.2.
Variant type: single nucleotide variant.
Coding change: c.208A>G on transcript NM_015681.6 (MANE Select); coding-DNA position 208, A replaced by G.
Protein change: p.Ile70Val; replaces isoleucine 70 with valine.
Molecular consequence: missense variant. On other transcripts: 5 prime UTR variant (1).
Genome position (GRCh38, 1-based): chr17:19,357,876, T>C on the plus strand (A>G on the coding strand, the complement: B9D1 is on the minus strand). VCF-style: chr17-19357876-T-C. GRCh37 (hg19) VCF-style: chr17-19261189-T-C.
Other names: c.208A>G, p.Ile70Val (NM_001321214.2, NM_001321215.3, NM_001321216.2 and 4 more transcripts); c.-153A>G (NM_001368769.2); short protein forms I70V.
Identifiers: ClinVar variation 1978842 (VCV001978842.1), dbSNP rs780639433, ClinGen allele CA8440329.
Genomic context (GRCh38, chr17:19,357,876, plus strand): 5'-CCCACAGGGCCCCTGCAGACTCACAGCCGTAGGGGTTGGTGCTTTTAAAGGTGACATCAA[T>C]GGGGAAGTTCCACACCAGTGCTTGCCGCACATCTTGGCTCTTGGATGTGATCTGTGAGAT-3'
Protein context (NP_056496.1, residues 60-80): VRQALVWNFP[Ile70Val]DVTFKSTNPY